The following is an entry in ClinVar:

ClinVar aggregate classification (germline): Uncertain significance (1 of 4 stars; one submission).

Submission:

GeneDx
Classification: Uncertain significance. Last evaluated: 2017-10-09. Review status: criteria provided, single submitter. Criteria: GeneDx Variant Classification (06012015). Collection method: clinical testing. Allele origin: germline. Affected: yes.
Comment: The P210R variant in the SEMA3A gene has not been reported previously as a pathogenic variant, nor as a benign variant, to our knowledge. The P210R variant is not observed in large population cohorts (Lek et al., 2016). The P210R variant is a non-conservative amino acid substitution, which is likely to impact secondary protein structure as these residues differ in polarity, charge, size and/or other properties. This substitution occurs at a position that is conserved across species. In silico analysis is inconsistent in its predictions as to whether or not the variant is damaging to the protein structure/function. We interpret P210R as a variant of uncertain significance.

NM_006080.3(SEMA3A):c.629C>G (p.Pro210Arg)

Gene: SEMA3A (semaphorin 3A; minus strand). Cytogenetic location: 7q21.11.
Variant type: single nucleotide variant.
Coding change: c.629C>G on transcript NM_006080.3 (MANE Select); coding-DNA position 629, C replaced by G.
Protein change: p.Pro210Arg; replaces proline 210 with arginine.
Molecular consequence: missense variant.
Genome position (GRCh38, 1-based): chr7:84,046,362, G>C on the plus strand (C>G on the coding strand, the complement: SEMA3A is on the minus strand). VCF-style: chr7-84046362-G-C. GRCh37 (hg19) VCF-style: chr7-83675678-G-C.
Other names: short protein forms P210R.
Identifiers: ClinVar variation 452642 (VCV000452642.2), dbSNP rs1554399881, ClinGen allele CA368021439.